The following is an entry in ClinVar:

NM_015338.6(ASXL1):c.2282C>T (p.Ala761Val)

Gene: ASXL1 (ASXL transcriptional regulator 1; plus strand). Cytogenetic location: 20q11.21.
Variant type: single nucleotide variant.
Coding change: c.2282C>T on transcript NM_015338.6 (MANE Select); coding-DNA position 2282, C replaced by T.
Protein change: p.Ala761Val; replaces alanine 761 with valine.
Molecular consequence: missense variant.
Genome position (GRCh38, 1-based): chr20:32,434,994, C>T. VCF-style: chr20-32434994-C-T. GRCh37 (hg19) VCF-style: chr20-31022797-C-T.
Other names: c.2099C>T, p.Ala700Val (NM_001363734.1); short protein forms A761V, A700V.
Identifiers: ClinVar variation 3955682 (VCV003955682.1).

ClinVar aggregate classification (germline): Uncertain significance (1 of 4 stars; one submission).

Conditions:
Inborn genetic diseases. Identifiers: MedGen C0950123, MeSH D030342.

Submission:

Ambry Genetics
Classification: Uncertain significance for Inborn genetic diseases. Last evaluated: 2025-04-03. Review status: criteria provided, single submitter. Criteria: Ambry Variant Classification Scheme 2023. Collection method: clinical testing. Allele origin: germline.
Comment: The p.A761V variant (also known as c.2282C>T), located in coding exon 13 of the ASXL1 gene, results from a C to T substitution at nucleotide position 2282. The alanine at codon 761 is replaced by valine, an amino acid with similar properties. This amino acid position is conserved. In addition, this alteration is predicted to be tolerated by in silico analysis. Based on the available evidence, the clinical significance of this variant remains unclear.